The following is an entry in ClinVar:

NM_015627.3(LDLRAP1):c.79C>T (p.Arg27Trp)

Genes: LDLRAP1 (low density lipoprotein receptor adaptor protein 1; plus strand), LOC129929773 (ATAC-STARR-seq lymphoblastoid silent region 456; plus strand). Cytogenetic location: 1p36.11.
Variant type: single nucleotide variant.
Coding change: c.79C>T on transcript NM_015627.3 (MANE Select); coding-DNA position 79, C replaced by T.
Protein change: p.Arg27Trp; replaces arginine 27 with tryptophan.
Molecular consequence: missense variant.
Genome position (GRCh38, 1-based): chr1:25,543,777, C>T. VCF-style: chr1-25543777-C-T. GRCh37 (hg19) VCF-style: chr1-25870268-C-T.
Other names: short protein forms R27W.
Identifiers: ClinVar variation 2501217 (VCV002501217.2), dbSNP rs1331894530, ClinGen allele CA339076746.

ClinVar aggregate classification (germline): Uncertain significance. Review status: criteria provided, multiple submitters, no conflicts (2 of 4 stars). 2 submissions from 2 submitters: Uncertain significance (2). Last evaluated 2024-04-04.

Conditions:
Cardiovascular phenotype. Identifiers: MedGen CN230736.

Allele frequency attached by ClinVar (database versions not stated): gnomAD exomes below 0.00001; gnomAD 0.00001; TOPMed 0.00001.
gnomAD v4.1: 4 of 1,207,682 alleles (0.00033%); highest among the groups gnomAD compares: Non-Finnish European, 0.00041%; no homozygotes.

Submissions (2):

Ambry Genetics
Classification: Uncertain significance for Cardiovascular phenotype. Last evaluated: 2024-04-04. Review status: criteria provided, single submitter. Criteria: Ambry Variant Classification Scheme 2023. Collection method: clinical testing. Allele origin: germline.
Comment: The p.R27W variant (also known as c.79C>T), located in coding exon 1 of the LDLRAP1 gene, results from a C to T substitution at nucleotide position 79. The arginine at codon 27 is replaced by tryptophan, an amino acid with dissimilar properties. This amino acid position is conserved. In addition, this alteration is predicted to be tolerated by in silico analysis. Based on the available evidence, the clinical significance of this variant remains unclear.

Women's Health and Genetics/Laboratory Corporation of America, LabCorp
Classification: Uncertain significance. Last evaluated: 2023-03-01. Review status: criteria provided, single submitter. Criteria: LabCorp Variant Classification Summary - May 2015. Collection method: clinical testing. Allele origin: germline.